The following is an entry in ClinVar:

ClinVar aggregate classification (germline): Likely benign. Review status: criteria provided, multiple submitters, no conflicts (2 of 4 stars). 6 submissions from 6 submitters: Likely benign (3). 3 of the submissions do not count toward it. Last evaluated 2025-11-22.

Conditions:
Left ventricular noncompaction 8 (LVNC8). Identifiers: Orphanet 154, Orphanet 54260, MedGen C3809288, MONDO:0014152, OMIM 615373.

Allele frequency attached by ClinVar (database versions not stated): ESP Exome Variant Server 0.00008; gnomAD exomes 0.00010; TOPMed 0.00011; gnomAD 0.00012 and 0.00013.
gnomAD v4.1: 241 of 1,589,064 alleles (0.015%); highest among the groups gnomAD compares: Middle Eastern, 0.039%; no homozygotes.

Submissions (6):

Labcorp Genetics (formerly Invitae), Labcorp
Classification: Likely benign for Left ventricular noncompaction 8. Last evaluated: 2025-11-22. Review status: criteria provided, single submitter. Criteria: Invitae Variant Classification Sherloc (09022015). Collection method: clinical testing. Allele origin: germline.

Blueprint Genetics
Classification: Likely benign. Last evaluated: 2024-09-05. Review status: criteria provided, single submitter. Criteria: ACMG Guidelines, 2015. Collection method: clinical testing. Allele origin: germline.

GeneDx
Classification: Likely benign. Last evaluated: 2018-01-16. Review status: criteria provided, single submitter. Criteria: GeneDx Variant Classification (06012015). Collection method: clinical testing. Allele origin: germline. Affected: yes.
Comment: This variant is considered likely benign or benign based on one or more of the following criteria: it is a conservative change, it occurs at a poorly conserved position in the protein, it is predicted to be benign by multiple in silico algorithms, and/or has population frequency not consistent with disease.

Clinical Genetics DNA and cytogenetics Diagnostics Lab, Erasmus MC, Erasmus Medical Center
Classification: Likely benign. Review status: no assertion criteria provided. Collection method: clinical testing. Allele origin: germline. Affected: yes. Study: VKGL Data-share Consensus. Not counted in ClinVar's aggregate classification.

Clinical Genetics, Academic Medical Center
Classification: Benign. Review status: no assertion criteria provided. Collection method: clinical testing. Allele origin: germline. Affected: yes. Study: VKGL Data-share Consensus. Not counted in ClinVar's aggregate classification.

Joint Genome Diagnostic Labs from Nijmegen and Maastricht, Radboudumc and MUMC+
Classification: Likely benign. Review status: no assertion criteria provided. Collection method: clinical testing. Allele origin: germline. Affected: yes. Study: VKGL Data-share Consensus. Not counted in ClinVar's aggregate classification.

NM_022114.4(PRDM16):c.884+7C>T

Gene: PRDM16 (PR/SET domain 16; plus strand). Cytogenetic location: 1p36.32.
Variant type: single nucleotide variant.
Coding change: c.884+7C>T on transcript NM_022114.4 (MANE Select); 7 bases into the intron after coding-DNA position 884, C replaced by T.
Molecular consequence: intron variant.
Genome position (GRCh38, 1-based): chr1:3,403,005, C>T. VCF-style: chr1-3403005-C-T. GRCh37 (hg19) VCF-style: chr1-3319569-C-T.
Other names: c.884+7C>T (NM_199454.3).
Identifiers: ClinVar variation 514875 (VCV000514875.17), dbSNP rs373228175, ClinGen allele CA543987.